The following is an entry in ClinVar:

NM_002075.4(GNB3):c.122G>A (p.Gly41Glu)

Gene: GNB3 (G protein subunit beta 3; plus strand). Cytogenetic location: 12p13.31.
Variant type: single nucleotide variant.
Coding change: c.122G>A on transcript NM_002075.4 (MANE Select); coding-DNA position 122, G replaced by A.
Protein change: p.Gly41Glu; replaces glycine 41 with glutamic acid.
Molecular consequence: missense variant.
Genome position (GRCh38, 1-based): chr12:6,842,995, G>A. VCF-style: chr12-6842995-G-A. GRCh37 (hg19) VCF-style: chr12-6952159-G-A.
Other names: c.122G>A, p.Gly41Glu (NM_001297571.2); short protein forms G41E.
Identifiers: ClinVar variation 2981176 (VCV002981176.3), dbSNP rs1943600973, ClinGen allele CA383671611.
Genomic context (GRCh38, chr12:6,842,995, plus strand): 5'-GCTCACCCTGATATTCAGTGCCCCTCTCTCTGCAGCTGGTGTCTGGCCTAGAGGTGGTGG[G>A]ACGAGTCCAGATGCGGACGCGGCGGACGTTAAGGGGACACCTGGCCAAGATTTACGCCAT-3'
Protein context (NP_002066.1, residues 31-51): AELVSGLEVV[Gly41Glu]RVQMRTRRTL

ClinVar aggregate classification (germline): Uncertain significance (1 of 4 stars; one submission).

Submission:

Labcorp Genetics (formerly Invitae), Labcorp
Classification: Uncertain significance. Last evaluated: 2023-05-04. Review status: criteria provided, single submitter. Criteria: Invitae Variant Classification Sherloc (09022015). Collection method: clinical testing. Allele origin: germline.
Comment: This sequence change replaces glycine, which is neutral and non-polar, with glutamic acid, which is acidic and polar, at codon 41 of the GNB3 protein (p.Gly41Glu). This variant is not present in population databases (gnomAD no frequency). This variant has not been reported in the literature in individuals affected with GNB3-related conditions. Advanced modeling of protein sequence and biophysical properties (such as structural, functional, and spatial information, amino acid conservation, physicochemical variation, residue mobility, and thermodynamic stability) performed at Invitae indicates that this missense variant is not expected to disrupt GNB3 protein function. In summary, the available evidence is currently insufficient to determine the role of this variant in disease. Therefore, it has been classified as a Variant of Uncertain Significance.